The following is an entry in ClinVar:

NM_000277.3(PAH):c.839A>C (p.Glu280Ala)

Gene: PAH (phenylalanine hydroxylase; minus strand). Cytogenetic location: 12q23.2.
Variant type: single nucleotide variant.
Coding change: c.839A>C on transcript NM_000277.3 (MANE Select); coding-DNA position 839, A replaced by C.
Protein change: p.Glu280Ala; replaces glutamic acid 280 with alanine.
Molecular consequence: missense variant.
Genome position (GRCh38, 1-based): chr12:102,852,818, T>G on the plus strand (A>C on the coding strand, the complement: PAH is on the minus strand). VCF-style: chr12-102852818-T-G. GRCh37 (hg19) VCF-style: chr12-103246596-T-G.
Other names: c.839A>C, p.Glu280Ala (NM_001354304.2); c.839A>C (NM_000277.1); short protein forms E280A.
Identifiers: ClinVar variation 2137406 (VCV002137406.5), dbSNP rs62508734, ClinGen allele CA16020696.

ClinVar aggregate classification (germline): Pathogenic. Review status: criteria provided, multiple submitters, no conflicts (2 of 4 stars). 2 submissions from 2 submitters: Pathogenic (2). Last evaluated 2025-11-01.

Conditions:
Phenylketonuria (PKU). Also called: Phenylketonuria (PKU); OLIGOPHRENIA PHENYLPYRUVICA; FOLLING DISEASE; Phenylketonurias. Identifiers: Orphanet 716, MedGen C0031485, MONDO:0009861, OMIM 261600. Disease mechanism: loss of function.

Submissions (2):

Labcorp Genetics (formerly Invitae), Labcorp
Classification: Pathogenic for Phenylketonuria. Last evaluated: 2025-11-01. Review status: criteria provided, single submitter. Criteria: Invitae Variant Classification Sherloc (09022015). Collection method: clinical testing. Allele origin: germline.
Comment: This sequence change replaces glutamic acid, which is acidic and polar, with alanine, which is neutral and non-polar, at codon 280 of the PAH protein (p.Glu280Ala). This variant is not present in population databases (gnomAD no frequency). This missense change has been observed in individuals with phenylketonuria (PMID: 21147011; internal data). ClinVar contains an entry for this variant (Variation ID: 2137406). Invitae Evidence Modeling of protein sequence and biophysical properties (such as structural, functional, and spatial information, amino acid conservation, physicochemical variation, residue mobility, and thermodynamic stability) indicates that this missense variant is expected to disrupt PAH protein function with a positive predictive value of 80%. Experimental studies have shown that this missense change affects PAH function (PMID: 9450897). This variant disrupts the p.Glu280 amino acid residue in PAH. Other variant(s) that disrupt this residue have been determined to be pathogenic (PMID: 2014036, 2564729, 12655546, 17935162, 23500595). This suggests that this residue is clinically significant, and that variants that disrupt this residue are likely to be disease-causing. For these reasons, this variant has been classified as Pathogenic.

GeneDx
Classification: Pathogenic. Last evaluated: 2022-11-17. Review status: criteria provided, single submitter. Criteria: GeneDx Variant Classification Process June 2021. Collection method: clinical testing. Allele origin: germline. Affected: yes.
Comment: Published functional studies demonstrate a damaging effect resulting in a significant reduction of PAH expression and activity (Heintz et al., 2012); Not observed at significant frequency in large population cohorts (gnomAD); In silico analysis supports that this missense variant has a deleterious effect on protein structure/function; This variant is associated with the following publications: (PMID: 10980574, 12655553, 7914195, 9450897, 32668217, 21147011, 22300847)

Literature cited by the submitters: PubMed 21147011 (cited by Labcorp Genetics (formerly Invitae), Labcorp); PubMed 9450897 (cited by Labcorp Genetics (formerly Invitae), Labcorp); PubMed 2014036 (cited by Labcorp Genetics (formerly Invitae), Labcorp); PubMed 2564729 (cited by Labcorp Genetics (formerly Invitae), Labcorp); PubMed 12655546 (cited by Labcorp Genetics (formerly Invitae), Labcorp); PubMed 17935162 (cited by Labcorp Genetics (formerly Invitae), Labcorp); PubMed 23500595 (cited by Labcorp Genetics (formerly Invitae), Labcorp).